The following is an entry in ClinVar:

ClinVar aggregate classification (germline): Benign/Likely benign. Review status: criteria provided, multiple submitters, no conflicts (2 of 4 stars). 4 submissions from 4 submitters: Benign (1); Likely benign (3). Last evaluated 2025-12-22.

Conditions:
Juvenile polyposis syndrome (JPS). Identifiers: Orphanet 2929, MedGen C0345893, MONDO:0017380, OMIM 174900.
Hereditary cancer-predisposing syndrome. Also called: Hereditary neoplastic syndrome; Tumor predisposition; Neoplastic Syndromes, Hereditary; Hereditary Cancer Syndrome. Identifiers: Orphanet 140162, MedGen C0027672, MeSH D009386, MONDO:0015356.
Familial thoracic aortic aneurysm and aortic dissection (TAAD). Also called: Thoracic aortic aneurysms and dissections. Identifiers: Orphanet 91387, MedGen C4707243, MONDO:0019625.
Juvenile polyposis/hereditary hemorrhagic telangiectasia syndrome (JPHT). Also called: Juvenile Polyposis Syndrome / Hereditary Hemorrhagic Telangiectasia (JPS/HHT); JP/HHT SYNDROME; JUVENILE POLYPOSIS WITH HEREDITARY HEMORRHAGIC TELANGIECTASIA; POLYPOSIS, GENERALIZED JUVENILE, WITH PULMONARY ARTERIOVENOUS MALFORMATION; TELANGIECTASIA, HEREDITARY HEMORRHAGIC, WITH JUVENILE POLYPOSIS COLI. Identifiers: Orphanet 2929, MedGen C1832942, MONDO:0008278, OMIM 175050.

Allele frequency attached by ClinVar (database versions not stated): gnomAD 0.00001; TOPMed 0.00001; ESP Exome Variant Server 0.00008.

Submissions (4):

Labcorp Genetics (formerly Invitae), Labcorp
Classification: Likely benign for Juvenile polyposis syndrome. Last evaluated: 2025-12-22. Review status: criteria provided, single submitter. Criteria: Invitae Variant Classification Sherloc (09022015). Collection method: clinical testing. Allele origin: germline.

Myriad Genetics, Inc.
Classification: Benign for Juvenile polyposis/hereditary hemorrhagic telangiectasia syndrome. Last evaluated: 2025-03-21. Review status: criteria provided, single submitter. Criteria: Myriad Autosomal Dominant, Autosomal Recessive and X-Linked Classification Criteria (2023). Collection method: clinical testing. Allele origin: unknown.
Comment: This variant is considered benign. This variant is a silent/synonymous amino acid change and it is not expected to impact splicing.

Ambry Genetics
Classification: Likely benign for Hereditary cancer-predisposing syndrome; Familial thoracic aortic aneurysm and aortic dissection. Last evaluated: 2020-02-26. Review status: criteria provided, single submitter. Criteria: Ambry Variant Classification Scheme 2023. Collection method: clinical testing. Allele origin: germline.

Color Diagnostics, LLC DBA Color Health
Classification: Likely benign for Hereditary cancer-predisposing syndrome. Last evaluated: 2016-06-06. Review status: criteria provided, single submitter. Criteria: ACMG Guidelines, 2015. Collection method: clinical testing. Allele origin: germline.

NM_005359.6(SMAD4):c.1299A>G (p.Ala433=)

Gene: SMAD4 (SMAD family member 4; plus strand). Cytogenetic location: 18q21.2.
Variant type: single nucleotide variant.
Coding change: c.1299A>G on transcript NM_005359.6 (MANE Select); coding-DNA position 1299, A replaced by G.
Protein change: p.Ala433=; no amino-acid change (alanine 433 retained).
Molecular consequence: synonymous variant.
Genome position (GRCh38, 1-based): chr18:51,067,178, A>G. VCF-style: chr18-51067178-A-G. GRCh37 (hg19) VCF-style: chr18-48593548-A-G.
Identifiers: ClinVar variation 492465 (VCV000492465.17), dbSNP rs370558697, ClinGen allele CA300092031.